The following is an entry in ClinVar:

NC_000001.10:g.(?_154420581)_(154422476_?)del

Gene: IL6R (interleukin 6 receptor; plus strand). Cytogenetic location: 1q21.3.
Variant type: Deletion.
Identifiers: ClinVar variation 2423329 (VCV002423329.4).

ClinVar aggregate classification (germline): Uncertain significance (1 of 4 stars; one submission).

Submission:

Labcorp Genetics (formerly Invitae), Labcorp
Classification: Uncertain significance. Last evaluated: 2022-05-27. Review status: criteria provided, single submitter. Criteria: Invitae Variant Classification Sherloc (09022015). Collection method: clinical testing. Allele origin: germline.
Comment: In summary, the available evidence is currently insufficient to determine the role of this variant in disease. Therefore, it has been classified as a Variant of Uncertain Significance. Experimental studies and prediction algorithms are not available or were not evaluated, and the functional significance of this variant is currently unknown. This variant has not been reported in the literature in individuals affected with IL6R-related conditions. This variant is a gross deletion of the genomic region encompassing exon(s) 7-8 of the IL6R gene. This variant would be expected to be in-frame, preserving the integrity of the reading frame.